The following is an entry in ClinVar:

NM_001012759.3(CTU2):c.241G>C (p.Gly81Arg)

Gene: CTU2 (cytosolic thiouridylase subunit 2; plus strand). Cytogenetic location: 16q24.3.
Variant type: single nucleotide variant.
Coding change: c.241G>C on transcript NM_001012759.3 (MANE Select); coding-DNA position 241, G replaced by C.
Protein change: p.Gly81Arg; replaces glycine 81 with arginine.
Molecular consequence: missense variant. On other transcripts: 5 prime UTR variant (1).
Genome position (GRCh38, 1-based): chr16:88,710,241, G>C. VCF-style: chr16-88710241-G-C. GRCh37 (hg19) VCF-style: chr16-88776649-G-C.
Other names: c.241G>C, p.Gly81Arg (NM_001012762.3, NM_001318507.2); c.-21G>C (NM_001318513.2); short protein forms G81R.
Identifiers: ClinVar variation 1313642 (VCV001313642.2), dbSNP rs1245971903, ClinGen allele CA397057068.

ClinVar aggregate classification (germline): Uncertain significance (1 of 4 stars; one submission).

Allele frequency attached by ClinVar (database versions not stated): TOPMed below 0.00001; gnomAD 0.00001.
gnomAD v4.1: 3 of 1,613,912 alleles (0.00019%); highest among the groups gnomAD compares: Non-Finnish European, 0.00025%; no homozygotes.

Submission:

GeneDx
Classification: Uncertain significance. Last evaluated: 2020-03-02. Review status: criteria provided, single submitter. Criteria: GeneDx Variant Classification Process June 2021. Collection method: clinical testing. Allele origin: germline. Affected: yes.
Comment: Not observed in large population cohorts (Lek et al., 2016); In silico analysis supports that this missense variant has a deleterious effect on protein structure/function; Has not been previously published as pathogenic or benign to our knowledge